The following is an entry in ClinVar:

ClinVar aggregate classification (germline): Benign/Likely benign. Review status: criteria provided, multiple submitters, no conflicts (2 of 4 stars). 5 submissions from 5 submitters: Benign (2); Likely benign (3). Last evaluated 2026-01-26.

Conditions:
Inborn genetic diseases. Identifiers: MedGen C0950123, MeSH D030342.
Nance-Horan syndrome (NHS). Identifiers: Orphanet 627, MedGen C0796085, MONDO:0010545, OMIM 302350.

Allele frequency attached by ClinVar (database versions not stated): gnomAD 0.00042 and 0.00044; ExAC 0.00043; TOPMed 0.00044; gnomAD exomes 0.00046 and 0.00111; ESP Exome Variant Server 0.00047.
gnomAD v4.1: 1,245 of 1,209,022 alleles (0.1%); highest among the groups gnomAD compares: Non-Finnish European, 0.14%; 1 homozygote.

Submissions (5):

Labcorp Genetics (formerly Invitae), Labcorp
Classification: Benign for Nance-Horan syndrome. Last evaluated: 2026-01-26. Review status: criteria provided, single submitter. Criteria: Invitae Variant Classification Sherloc (09022015). Collection method: clinical testing. Allele origin: germline.

Blueprint Genetics
Classification: Likely benign. Last evaluated: 2024-11-28. Review status: criteria provided, single submitter. Criteria: ACMG Guidelines, 2015. Collection method: clinical testing. Allele origin: germline.

CeGaT Center for Human Genetics Tuebingen
Classification: Likely benign. Last evaluated: 2022-03-01. Review status: criteria provided, single submitter. Criteria: CeGaT Center For Human Genetics Tuebingen Variant Classification Criteria Version 2. Collection method: clinical testing. Allele origin: germline. Affected: yes. Observed: 1 variant allele.
Comment: NHS: BP4, BP7

Ambry Genetics
Classification: Likely benign for Inborn genetic diseases. Last evaluated: 2019-09-23. Review status: criteria provided, single submitter. Criteria: Ambry Variant Classification Scheme 2023. Collection method: clinical testing. Allele origin: germline.

Eurofins Ntd Llc (ga)
Classification: Benign. Last evaluated: 2015-02-20. Review status: criteria provided, single submitter. Criteria: EGL Classification Definitions 2015. Collection method: clinical testing. Allele origin: germline. Observed: 1 variant allele, 1 heterozygote.

NM_001291867.2(NHS):c.1596G>A (p.Glu532=)

Gene: NHS (NHS actin remodeling regulator; plus strand). Cytogenetic location: Xp22.13.
Variant type: single nucleotide variant.
Coding change: c.1596G>A on transcript NM_001291867.2 (MANE Select); coding-DNA position 1596, G replaced by A.
Protein change: p.Glu532=; no amino-acid change (glutamic acid 532 retained).
Molecular consequence: synonymous variant.
Genome position (GRCh38, 1-based): chrX:17,725,702, G>A. VCF-style: chrX-17725702-G-A. GRCh37 (hg19) VCF-style: chrX-17743822-G-A.
Other names: c.1065G>A, p.Glu355= (NM_001136024.4); c.1002G>A, p.Glu334= (NM_001291868.2); c.1533G>A, p.Glu511= (NM_198270.4).
Identifiers: ClinVar variation 198288 (VCV000198288.39), dbSNP rs146437542, ClinGen allele CA203351.
Genomic context (GRCh38, chrX:17,725,702, plus strand): 5'-TAGAGGTGGGGATGCTGAGCCCAAAGTTGGCGCTAAACCCTCAGCATATGAAGAGGGAGA[G>A]TCTTTTGTGGGTGACCATGAAAGAACCCCTAATGATTTCAGTGAGGCTCCAAGCAGCCCG-3'
Protein context (NP_001278796.1, residues 522-542): GAKPSAYEEG[Glu532=]SFVGDHERTP